The following is an entry in ClinVar:

ClinVar aggregate classification (germline): Benign (1 of 4 stars; one submission).

Conditions:
Diaphyseal medullary stenosis-bone malignancy syndrome. Also called: MYOPATHY, LIMB-GIRDLE, WITH BONE FRAGILITY; BONE DYSPLASIA WITH MALIGNANT FIBROUS HISTIOCYTOMA; BONE DYSPLASIA WITH MEDULLARY FIBROSARCOMA. Identifiers: Orphanet 85182, MedGen C1862177, MONDO:0007205, OMIM 112250.

Allele frequency attached by ClinVar (database versions not stated): gnomAD exomes 0.00018; gnomAD 0.00242 and 0.00264; TOPMed 0.00256; 1000 Genomes Project 0.00280; 1000 Genomes Project 30x 0.00297.
gnomAD v4.1: 533 of 985,418 alleles (0.054%); highest among the groups gnomAD compares: African/African-American, 0.81%; 2 homozygotes.

Submission:

Illumina Laboratory Services, Illumina
Classification: Benign for Diaphyseal medullary stenosis-bone malignancy syndrome. Last evaluated: 2018-01-13. Review status: criteria provided, single submitter. Criteria: ICSL Variant Classification Criteria 13 December 2019. Collection method: clinical testing. Allele origin: germline.
Comment: This variant was observed in the ICSL laboratory as part of a predisposition screen in an ostensibly healthy population. It had not been previously curated by ICSL or reported in the Human Gene Mutation Database (HGMD: prior to June 1st, 2018), and was therefore a candidate for classification through an automated scoring system. Utilizing variant allele frequency, disease prevalence and penetrance estimates, and inheritance mode, an automated score was calculated to assess if this variant is too frequent to cause the disease. Based on the score and internal cut-off values, a variant classified as benign is not then subjected to further curation. The score for this variant resulted in a classification of benign for this disease.

NM_002451.4(MTAP):c.*1038A>G

Gene: MTAP (methylthioadenosine phosphorylase; plus strand). Cytogenetic location: 9p21.3.
Variant type: single nucleotide variant.
Coding change: c.*1038A>G on transcript NM_002451.4 (MANE Select); 1038 bases downstream of the stop codon, A replaced by G.
Molecular consequence: 3 prime UTR variant.
Genome position (GRCh38, 1-based): chr9:21,863,052, A>G. VCF-style: chr9-21863052-A-G. GRCh37 (hg19) VCF-style: chr9-21863051-A-G.
Identifiers: ClinVar variation 366270 (VCV000366270.5), dbSNP rs180861815, ClinGen allele CA10633241.